The following is an entry in ClinVar:

ClinVar aggregate classification (germline): Likely benign. Review status: criteria provided, multiple submitters, no conflicts (2 of 4 stars). 3 submissions from 3 submitters: Likely benign (3). Last evaluated 2024-10-03.

Allele frequency attached by ClinVar (database versions not stated): TOPMed 0.00003; ExAC 0.00004; gnomAD 0.00004 and 0.00005; gnomAD exomes 0.00004; ESP Exome Variant Server 0.00008; 1000 Genomes Project 30x 0.00016; 1000 Genomes Project 0.00020.

Submissions (3):

Labcorp Genetics (formerly Invitae), Labcorp
Classification: Likely benign. Last evaluated: 2024-10-03. Review status: criteria provided, single submitter. Criteria: Invitae Variant Classification Sherloc (09022015). Collection method: clinical testing. Allele origin: germline.

CeGaT Center for Human Genetics Tuebingen
Classification: Likely benign. Last evaluated: 2022-08-01. Review status: criteria provided, single submitter. Criteria: CeGaT Center For Human Genetics Tuebingen Variant Classification Criteria Version 2. Collection method: clinical testing. Allele origin: germline. Affected: yes. Observed: 1 variant allele.
Comment: GFM1: BP4, BP7

GeneDx
Classification: Likely benign. Last evaluated: 2018-01-05. Review status: criteria provided, single submitter. Criteria: GeneDx Variant Classification (06012015). Collection method: clinical testing. Allele origin: germline. Affected: yes.
Comment: This variant is considered likely benign or benign based on one or more of the following criteria: it is a conservative change, it occurs at a poorly conserved position in the protein, it is predicted to be benign by multiple in silico algorithms, and/or has population frequency not consistent with disease.

NM_024996.7(GFM1):c.1377C>T (p.Asn459=)

Gene: GFM1 (G elongation factor mitochondrial 1; plus strand). Cytogenetic location: 3q25.32.
Variant type: single nucleotide variant.
Coding change: c.1377C>T on transcript NM_024996.7 (MANE Select); coding-DNA position 1377, C replaced by T.
Protein change: p.Asn459=; no amino-acid change (asparagine 459 retained).
Molecular consequence: synonymous variant. On other transcripts: non-coding transcript variant (4).
Genome position (GRCh38, 1-based): chr3:158,662,681, C>T. VCF-style: chr3-158662681-C-T. GRCh37 (hg19) VCF-style: chr3-158380470-C-T.
Other names: c.1434C>T, p.Asn478= (NM_001308164.2); c.1377C>T, p.Asn459= (NM_001308166.2); c.1296C>T, p.Asn432= (NM_001374355.1); c.1260C>T, p.Asn420= (NM_001374356.1); c.1152C>T, p.Asn384= (NM_001374357.1); c.918C>T, p.Asn306= (NM_001374358.1); c.810C>T, p.Asn270= (NM_001374359.1, NM_001374360.1); c.693C>T, p.Asn231= (NM_001374361.1).
Identifiers: ClinVar variation 514268 (VCV000514268.35), dbSNP rs373098153, ClinGen allele CA2682627.